The following is an entry in ClinVar:

ClinVar aggregate classification (germline): Likely benign. Review status: criteria provided, multiple submitters, no conflicts (2 of 4 stars). 2 submissions from 2 submitters: Likely benign (2). Last evaluated 2025-04-01.

Conditions:
Bardet-Biedl syndrome (BBS). Identifiers: Orphanet 110, MedGen C0752166, MONDO:0015229.

Allele frequency attached by ClinVar (database versions not stated): gnomAD exomes 0.00001; ExAC 0.00002.

Submissions (2):

CeGaT Center for Human Genetics Tuebingen
Classification: Likely benign. Last evaluated: 2025-04-01. Review status: criteria provided, single submitter. Criteria: CeGaT Center For Human Genetics Tuebingen Variant Classification Criteria Version 2. Collection method: clinical testing. Allele origin: germline. Affected: yes. Observed: 1 variant allele.
Comment: BBS2: BP4, BP7

Labcorp Genetics (formerly Invitae), Labcorp
Classification: Likely benign for Bardet-Biedl syndrome. Last evaluated: 2020-06-23. Review status: criteria provided, single submitter. Criteria: Invitae Variant Classification Sherloc (09022015). Collection method: clinical testing. Allele origin: germline.

NM_031885.5(BBS2):c.1257A>G (p.Ala419=)

Gene: BBS2 (Bardet-Biedl syndrome 2; minus strand). Cytogenetic location: 16q13.
Variant type: single nucleotide variant.
Coding change: c.1257A>G on transcript NM_031885.5 (MANE Select); coding-DNA position 1257, A replaced by G.
Protein change: p.Ala419=; no amino-acid change (alanine 419 retained).
Molecular consequence: synonymous variant. On other transcripts: non-coding transcript variant (2).
Genome position (GRCh38, 1-based): chr16:56,500,994, T>C on the plus strand (A>G on the coding strand, the complement: BBS2 is on the minus strand). VCF-style: chr16-56500994-T-C. GRCh37 (hg19) VCF-style: chr16-56534906-T-C.
Other names: c.1257A>G, p.Ala419= (NM_001377456.1).
Identifiers: ClinVar variation 1159347 (VCV001159347.16), dbSNP rs747607168, ClinGen allele CA8065776.